The following is an entry in ClinVar:

NM_002734.5(PRKAR1A):c.445A>T (p.Ile149Phe)

Gene: PRKAR1A (protein kinase cAMP-dependent type I regulatory subunit alpha; plus strand). Cytogenetic location: 17q24.2.
Variant type: single nucleotide variant.
Coding change: c.445A>T on transcript NM_002734.5 (MANE Select); coding-DNA position 445, A replaced by T.
Protein change: p.Ile149Phe; replaces isoleucine 149 with phenylalanine.
Molecular consequence: missense variant.
Genome position (GRCh38, 1-based): chr17:68,524,020, A>T. VCF-style: chr17-68524020-A-T. GRCh37 (hg19) VCF-style: chr17-66520161-A-T.
Other names: c.445A>T, p.Ile149Phe (NM_001276289.2, NM_001276290.1, NM_001278433.2 and 4 more transcripts); short protein forms I149F.
Identifiers: ClinVar variation 2107378 (VCV002107378.4), dbSNP rs2509407219, ClinGen allele CA400752781.

ClinVar aggregate classification (germline): Uncertain significance (1 of 4 stars; one submission).

Conditions:
Carney complex, type 1 (CNC1). Also called: CARNEY MYXOMA-ENDOCRINE COMPLEX; CARNEY COMPLEX, TYPE I. Identifiers: Orphanet 1359, MedGen C2607929, MONDO:0008057, OMIM 160980.

Submission:

Labcorp Genetics (formerly Invitae), Labcorp
Classification: Uncertain significance for Carney complex, type 1. Last evaluated: 2022-03-06. Review status: criteria provided, single submitter. Criteria: Invitae Variant Classification Sherloc (09022015). Collection method: clinical testing. Allele origin: germline.
Comment: This sequence change replaces isoleucine, which is neutral and non-polar, with phenylalanine, which is neutral and non-polar, at codon 149 of the PRKAR1A protein (p.Ile149Phe). In summary, the available evidence is currently insufficient to determine the role of this variant in disease. Therefore, it has been classified as a Variant of Uncertain Significance. Algorithms developed to predict the effect of missense changes on protein structure and function are either unavailable or do not agree on the potential impact of this missense change (SIFT: "Deleterious"; PolyPhen-2: "Possibly Damaging"; Align-GVGD: "Class C0"). This variant has not been reported in the literature in individuals affected with PRKAR1A-related conditions. This variant is not present in population databases (gnomAD no frequency).